The following is an entry in ClinVar:

ClinVar aggregate classification (germline): Uncertain significance. Review status: criteria provided, multiple submitters, no conflicts (2 of 4 stars). 2 submissions from 2 submitters: Uncertain significance (2). Last evaluated 2025-09-28.

Conditions:
Cardiovascular phenotype. Identifiers: MedGen CN230736.

Allele frequency attached by ClinVar (database versions not stated): gnomAD exomes 0.00010 and 0.00003; ESP Exome Variant Server 0.00031; gnomAD 0.00024 and 0.00026; TOPMed 0.00032; ExAC 0.00013; 1000 Genomes Project 30x 0.00031; 1000 Genomes Project 0.00040.
gnomAD v4.1: 74 of 1,611,856 alleles (0.0046%); highest among the groups gnomAD compares: African/African-American, 0.089%; no homozygotes.

Submissions (2):

Ambry Genetics
Classification: Uncertain significance for Cardiovascular phenotype. Last evaluated: 2025-09-28. Review status: criteria provided, single submitter. Criteria: Ambry Variant Classification Scheme 2023. Collection method: clinical testing. Allele origin: germline.
Comment: The p.T241I variant (also known as c.722C>T), located in coding exon 7 of the TECRL gene, results from a C to T substitution at nucleotide position 722. The threonine at codon 241 is replaced by isoleucine, an amino acid with similar properties. This amino acid position is highly conserved in available vertebrate species. In addition, the in silico prediction for this alteration is inconclusive. Since supporting evidence is limited at this time, the clinical significance of this alteration remains unclear.

GeneDx
Classification: Uncertain significance. Last evaluated: 2025-01-29. Review status: criteria provided, single submitter. Criteria: GeneDx Variant Classification Process June 2021. Collection method: clinical testing. Allele origin: germline. Affected: yes.
Comment: Has not been previously published as pathogenic or benign to our knowledge; In silico analysis supports that this missense variant has a deleterious effect on protein structure/function

NM_001010874.5(TECRL):c.722C>T (p.Thr241Ile)

Gene: TECRL (trans-2,3-enoyl-CoA reductase like; minus strand). Cytogenetic location: 4q13.1.
Variant type: single nucleotide variant.
Coding change: c.722C>T on transcript NM_001010874.5 (MANE Select); coding-DNA position 722, C replaced by T.
Protein change: p.Thr241Ile; replaces threonine 241 with isoleucine.
Molecular consequence: missense variant.
Genome position (GRCh38, 1-based): chr4:64,305,174, G>A on the plus strand (C>T on the coding strand, the complement: TECRL is on the minus strand). VCF-style: chr4-64305174-G-A. GRCh37 (hg19) VCF-style: chr4-65170892-G-A.
Other names: c.722C>T, p.Thr241Ile (NM_001363796.1); short protein forms T241I.
Identifiers: ClinVar variation 1329721 (VCV001329721.9), dbSNP rs148333637, ClinGen allele CA2935420.